The following continues an entry in ClinVar:

NM_000179.3(MSH6):c.2194C>T (p.Arg732Ter)

Gene: MSH6. ClinVar aggregate classification (germline): Pathogenic. Pathogenic (1).

Submissions 13 to 19 of 19:

Women's Health and Genetics/Laboratory Corporation of America, LabCorp
Classification: Pathogenic for Hereditary nonpolyposis colon cancer. Last evaluated: 2022-08-29. Review status: criteria provided, single submitter. Criteria: LabCorp Variant Classification Summary - May 2015. Collection method: clinical testing. Allele origin: germline. Not counted in ClinVar's aggregate classification.
Comment: Variant summary: MSH6 c.2194C>T (p.Arg732X) results in a premature termination codon, predicted to cause a truncation of the encoded protein or absence of the protein due to nonsense mediated decay, which are commonly known mechanisms for disease. Truncations downstream of this position have been classified as pathogenic by our laboratory and also observed in the HGMD database. The variant allele was found at a frequency of 4e-06 in 250888 control chromosomes. c.2194C>T has been reported in the literature in individuals affected with Hereditary Nonpolyposis Colorectal Cancer (Example: Susswein_2015, Rossi_2017, Baglietto_2010, Song_2014, Jiang_2019 etc.). These data indicate that the variant is likely to be associated with disease. Seven clinical diagnostic laboratories have submitted clinical-significance assessments for this variant to ClinVar and classified the variant as pathogenic. Based on the evidence outlined above, the variant was classified as pathogenic.

GeneDx
Classification: Pathogenic. Last evaluated: 2022-06-11. Review status: criteria provided, single submitter. Criteria: GeneDx Variant Classification Process June 2021. Collection method: clinical testing. Allele origin: germline. Affected: yes. Not counted in ClinVar's aggregate classification.
Comment: Nonsense variant predicted to result in protein truncation or nonsense mediated decay in a gene for which loss of function is a known mechanism of disease; Not observed at significant frequency in large population cohorts (gnomAD); Truncating variants in this gene are considered pathogenic by a well-established clinical consortium and/or database; This variant is associated with the following publications: (PMID: 20028993, 20924129, 15483016, 25525159, 27601186, 26681312, 24728189, 27153395, 28874130, 33087929, 30521064, 30787465, 31851094, 32294063, 31948886, 18301448)

Blueprint Genetics
Classification: Pathogenic for MSH6-related disorders. Last evaluated: 2021-06-18. Review status: criteria provided, single submitter. Criteria: ACMG Guidelines, 2015. Collection method: clinical testing. Allele origin: germline. Affected: yes. Observed: 1 variant allele. Not counted in ClinVar's aggregate classification.

Quest Diagnostics Nichols Institute San Juan Capistrano
Classification: Pathogenic. Last evaluated: 2018-02-01. Review status: criteria provided, single submitter. Criteria: Quest Diagnostics criteria. Collection method: clinical testing. Allele origin: germline. Not counted in ClinVar's aggregate classification.

Juno Genomics, Hangzhou Juno Genomics, Inc
Classification: Pathogenic for Lynch syndrome 5. Review status: criteria provided, single submitter. Criteria: ACMG Guidelines, 2015. Collection method: clinical testing. Allele origin: germline. Not counted in ClinVar's aggregate classification.
Comment: Null variant in a gene where loss of function (LOF) is a known mechanism of disease.;Absent from controls (or at extremely low frequency if recessive) in Genome Aggregation Database.;Patient's phenotype or family history is highly specific for a disease with a single genetic etiology.

PreventionGenetics, part of Exact Sciences
Classification: Pathogenic for MSH6-related condition. Last evaluated: 2024-06-02. Review status: no assertion criteria provided. Collection method: clinical testing. Allele origin: germline. Not counted in ClinVar's aggregate classification.
Comment: The MSH6 c.2194C>T variant is predicted to result in premature protein termination (p.Arg732*). This variant has been reported in many individuals with Lynch syndrome-associated cancers (Plaschke et al. 2004. PubMed ID: 15483016; Song et al. 2014. PubMed ID: 24728189; Susswein et al. 2016. PubMed ID: 26681312; Jiang et al. 2019. PubMed ID: 30521064; Wu et al. 2020. PubMed ID: 31948886; Pereira et al. 2022. PubMed ID: 35980532). It has also been observed to co-segregate with incomplete penetrance in a family with pancreatic, gastric, or endometrial cancers (Mannucci et al. 2020. PubMed ID: 31851094). This variant is reported in 0.00088% of alleles in individuals of European (Non-Finnish) descent in gnomAD and is interpreted as pathogenic in ClinVar. Nonsense variants in MSH6 are expected to be pathogenic. This variant is interpreted as pathogenic.

Department of Pathology and Laboratory Medicine, Sinai Health System
Classification: Pathogenic for Lynch syndrome. Review status: no assertion criteria provided. Collection method: clinical testing. Allele origin: unknown. Affected: yes. Study: The Canadian Open Genetics Repository (COGR). Not counted in ClinVar's aggregate classification.
Comment: The p.Arg732X variant was identified in 2 of 1692 proband chromosomes (frequency: 0.001) from individuals or families with early-onset colorectal cancer or Lynch syndrome (GirâˆšÂ°ldez 2010, Plaschke 2004). The tumours from the positive probands in these studies showed loss of MSH6 protein by immunohistochemistry; one tumour also showed high microsatellite instability. The variant was also identified in dbSNP (ID: rs63751127) â€šÃ„ÃºWith Pathogenic alleleâ€šÃ„Ã¹, GeneInsight COGR database (classified as pathogenic by a clinical laboratory), HGMD, â€šÃ„ÃºMismatch Repair Genes Variant Databaseâ€šÃ„Ã¹, InSiGHT Colon Cancer Gene Variant Database, UMD (2X as a â€šÃ„Ãºcausalâ€šÃ„Ã¹ variant), and in the ClinVar database (classified as a pathogenic by all three submitters: InSiGHT, Ambry Genetics, and GeneDx). The p.Arg732X variant leads to a premature stop codon at position 732, which is predicted to lead to a truncated or absent protein and loss of function. Loss of function variants of the MSH6 gene are an established mechanism of disease in Lynch syndrome and this is the type of variant expected to cause the disorder. In summary, based on the above information, this variant meets our laboratoryâ€šÃ„Ã´s criteria to be classified as pathogenic.

Literature cited by the submitters: PubMed 18269114 (cited by Labcorp Genetics (formerly Invitae), Labcorp); PubMed 24362816 (cited by Labcorp Genetics (formerly Invitae), Labcorp); PubMed 15483016 (cited by 4 submitters); PubMed 18301448 (cited by 4 submitters); PubMed 20028993 (cited by 4 submitters); PubMed 24728189 (cited by 4 submitters); PubMed 27601186 (cited by Color Diagnostics, LLC DBA Color Health); PubMed 28874130 (cited by Color Diagnostics, LLC DBA Color Health and Women's Health and Genetics/Laboratory Corporation of America, LabCorp); PubMed 33471991 (cited by Color Diagnostics, LLC DBA Color Health); PubMed 20924129 (cited by 3 submitters); PubMed 31851094 (cited by Center for Genomic Medicine, Rigshospitalet, Copenhagen University Hospital and Ambry Genetics); PubMed 33003368 (cited by Center for Genomic Medicine, Rigshospitalet, Copenhagen University Hospital and Ambry Genetics); PubMed 26681312 (cited by Ambry Genetics and Women's Health and Genetics/Laboratory Corporation of America, LabCorp); PubMed 27153395 (cited by Ambry Genetics); PubMed 29345684 (cited by Ambry Genetics); PubMed 31948886 (cited by Ambry Genetics); PubMed 30521064 (cited by Women's Health and Genetics/Laboratory Corporation of America, LabCorp).